The following is an entry in ClinVar:

NM_012079.6(DGAT1):c.416C>T (p.Ala139Val)

Gene: DGAT1 (diacylglycerol O-acyltransferase 1; minus strand). Cytogenetic location: 8q24.3.
Variant type: single nucleotide variant.
Coding change: c.416C>T on transcript NM_012079.6 (MANE Select); coding-DNA position 416, C replaced by T.
Protein change: p.Ala139Val; replaces alanine 139 with valine.
Molecular consequence: missense variant.
Genome position (GRCh38, 1-based): chr8:144,318,751, G>A on the plus strand (C>T on the coding strand, the complement: DGAT1 is on the minus strand). VCF-style: chr8-144318751-G-A. GRCh37 (hg19) VCF-style: chr8-145542414-G-A.
Other names: short protein forms A139V.
Identifiers: ClinVar variation 1466535 (VCV001466535.5), dbSNP rs140443241, ClinGen allele CA4937050.

ClinVar aggregate classification (germline): Uncertain significance (1 of 4 stars; one submission).

Allele frequency attached by ClinVar (database versions not stated): gnomAD 0.00001; gnomAD exomes 0.00001 and 0.00003; ExAC 0.00005; TOPMed 0.00005; ESP Exome Variant Server 0.00015.
gnomAD v4.1: 19 of 1,606,298 alleles (0.0012%); highest among the groups gnomAD compares: Admixed American, 0.0051%; no homozygotes.

Submission:

Labcorp Genetics (formerly Invitae), Labcorp
Classification: Uncertain significance. Last evaluated: 2022-09-12. Review status: criteria provided, single submitter. Criteria: Invitae Variant Classification Sherloc (09022015). Collection method: clinical testing. Allele origin: germline.
Comment: This sequence change replaces alanine, which is neutral and non-polar, with valine, which is neutral and non-polar, at codon 139 of the DGAT1 protein (p.Ala139Val). This variant is present in population databases (rs140443241, gnomAD 0.009%). This variant has not been reported in the literature in individuals affected with DGAT1-related conditions. ClinVar contains an entry for this variant (Variation ID: 1466535). Algorithms developed to predict the effect of missense changes on protein structure and function output the following: SIFT: "Tolerated"; PolyPhen-2: "Benign"; Align-GVGD: "Class C0". The valine amino acid residue is found in multiple mammalian species, which suggests that this missense change does not adversely affect protein function. In summary, the available evidence is currently insufficient to determine the role of this variant in disease. Therefore, it has been classified as a Variant of Uncertain Significance.